The following is an entry in ClinVar:

ClinVar aggregate classification (germline): Uncertain significance (1 of 4 stars; one submission).

Conditions:
Hypertrophic cardiomyopathy 14. Identifiers: MedGen C2750467, MONDO:0013197, OMIM 613251.

Submission:

Labcorp Genetics (formerly Invitae), Labcorp
Classification: Uncertain significance for Hypertrophic cardiomyopathy 14. Last evaluated: 2026-01-11. Review status: criteria provided, single submitter. Criteria: Invitae Variant Classification Sherloc (09022015). Collection method: clinical testing. Allele origin: germline.
Comment: This sequence change falls in intron 19 of the MYH6 gene. It does not directly change the encoded amino acid sequence of the MYH6 protein. Information on the frequency of this variant in the gnomAD database is not available, as this variant may be reported differently in the database. This variant has not been reported in the literature in individuals affected with MYH6-related conditions. ClinVar contains an entry for this variant (Variation ID: 2037745). Experimental studies and prediction algorithms are not available or were not evaluated, and the effect of this variant on mRNA splicing is currently unknown. In summary, the available evidence is currently insufficient to determine the role of this variant in disease. Therefore, it has been classified as a Variant of Uncertain Significance.

NM_002471.4(MYH6):c.2292+17_2292+18inv

Gene: MYH6 (myosin heavy chain 6; minus strand). Cytogenetic location: 14q11.2.
Variant type: Inversion.
Coding change: c.2292+17_2292+18inv on transcript NM_002471.4 (MANE Select).
Molecular consequence: intron variant.
Genome position: GRCh38 VCF-style: chr14-23396676-GT-AC. GRCh37 (hg19) VCF-style: chr14-23865885-GT-AC.
Identifiers: ClinVar variation 2037745 (VCV002037745.4), ClinGen allele CA2580088023.